The following is an entry in ClinVar:

NM_001267550.2(TTN):c.71238C>G (p.Phe23746Leu)

Genes: TTN (titin; minus strand), TTN-AS1 (TTN antisense RNA 1; plus strand). Cytogenetic location: 2q31.2.
Variant type: single nucleotide variant.
Coding change: c.71238C>G on transcript NM_001267550.2 (MANE Select); coding-DNA position 71238, C replaced by G.
Protein change: p.Phe23746Leu; replaces phenylalanine 23746 with leucine.
Molecular consequence: missense variant.
Genome position (GRCh38, 1-based): chr2:178,574,894, G>C on the plus strand (C>G on the coding strand, the complement: TTN is on the minus strand). VCF-style: chr2-178574894-G-C. GRCh37 (hg19) VCF-style: chr2-179439621-G-C.
Other names: c.44418C>G, p.Phe14806Leu (NM_133432.3); c.44619C>G, p.Phe14873Leu (NM_133437.4); c.66315C>G, p.Phe22105Leu (NM_001256850.1); c.44043C>G, p.Phe14681Leu (NM_003319.4); c.63534C>G, p.Phe21178Leu (NM_133378.4); short protein forms F14681L, F14806L, F14873L, F21178L, F22105L, F23746L.
Identifiers: ClinVar variation 4074674 (VCV004074674.1).

ClinVar aggregate classification (germline): Uncertain significance (1 of 4 stars; one submission).

Submission:

GeneDx
Classification: Uncertain significance. Last evaluated: 2025-02-11. Review status: criteria provided, single submitter. Criteria: GeneDx Variant Classification Process June 2021. Collection method: clinical testing. Allele origin: germline. Affected: yes.
Comment: Not observed at significant frequency in large population cohorts (gnomAD); Missense variant in a gene in which most reported pathogenic variants are truncating/loss of function; Has not been previously published as pathogenic or benign to our knowledge